The following is an entry in ClinVar:

NM_004204.5(PIGQ):c.538C>T (p.Arg180Cys)

Gene: PIGQ (phosphatidylinositol glycan anchor biosynthesis class Q; plus strand). Cytogenetic location: 16p13.3.
Variant type: single nucleotide variant.
Coding change: c.538C>T on transcript NM_004204.5 (MANE Select); coding-DNA position 538, C replaced by T.
Protein change: p.Arg180Cys; replaces arginine 180 with cysteine.
Molecular consequence: missense variant.
Genome position (GRCh38, 1-based): chr16:574,612, C>T. VCF-style: chr16-574612-C-T. GRCh37 (hg19) VCF-style: chr16-624612-C-T.
Other names: c.538C>T, p.Arg180Cys (NM_148920.4); short protein forms R180C.
Identifiers: ClinVar variation 1051085 (VCV001051085.30), dbSNP rs768063812, ClinGen allele CA7779900.
Genomic context (GRCh38, chr16:574,612, plus strand): 5'-GGGGGCCTGGCTGCCGTCTTCGACACGGTAGCACGCAGTGAGGTGCTCTTCCGCAGTGAC[C>T]GCTTTGATGAGGGCCCCGTGCGGCTGAGCCACTGGCAGTCGGAGGGCGTGGAGGCCAGCA-3'
Protein context (NP_004195.2, residues 170-190): ARSEVLFRSD[Arg180Cys]FDEGPVRLSH

ClinVar aggregate classification (germline): Conflicting classifications of pathogenicity. Review status: criteria provided, conflicting classifications (1 of 4 stars). 2 submissions from 2 submitters: Uncertain significance (1); Likely benign (1). Last evaluated 2023-08-10.

Conditions:
Epilepsy. Also called: Seizure disorder. Identifiers: MedGen C0014544, MeSH D004827, MONDO:0005027.

Allele frequency attached by ClinVar (database versions not stated): ExAC 0.00001; gnomAD 0.00001; gnomAD exomes 0.00002 and 0.00003; TOPMed 0.00003.
gnomAD v4.1: 29 of 1,606,030 alleles (0.0018%); highest among the groups gnomAD compares: Non-Finnish European, 0.0022%; no homozygotes.

Submissions (2):

Labcorp Genetics (formerly Invitae), Labcorp
Classification: Uncertain significance for Epilepsy. Last evaluated: 2023-08-10. Review status: criteria provided, single submitter. Criteria: Invitae Variant Classification Sherloc (09022015). Collection method: clinical testing. Allele origin: germline.
Comment: This sequence change replaces arginine, which is basic and polar, with cysteine, which is neutral and slightly polar, at codon 180 of the PIGQ protein (p.Arg180Cys). This variant is present in population databases (rs768063812, gnomAD 0.006%). This variant has not been reported in the literature in individuals affected with PIGQ-related conditions. ClinVar contains an entry for this variant (Variation ID: 1051085). An algorithm developed to predict the effect of missense changes on protein structure and function (PolyPhen-2) suggests that this variant¬†is likely to be tolerated. In summary, the available evidence is currently insufficient to determine the role of this variant in disease. Therefore, it has been classified as a Variant of Uncertain Significance.

CeGaT Center for Human Genetics Tuebingen
Classification: Likely benign. Last evaluated: 2023-02-01. Review status: criteria provided, single submitter. Criteria: CeGaT Center For Human Genetics Tuebingen Variant Classification Criteria Version 2. Collection method: clinical testing. Allele origin: germline. Affected: yes. Observed: 2 variant alleles.
Comment: PIGQ: BP4